The following is an entry in ClinVar:

ClinVar aggregate classification (germline): Uncertain significance (1 of 4 stars; one submission).

Conditions:
Hereditary cancer-predisposing syndrome. Also called: Neoplastic Syndromes, Hereditary; Tumor predisposition; Hereditary Cancer Syndrome; Hereditary neoplastic syndrome. Identifiers: Orphanet 140162, MedGen C0027672, MeSH D009386, MONDO:0015356.

Submission:

Ambry Genetics
Classification: Uncertain significance for Hereditary cancer-predisposing syndrome. Last evaluated: 2026-03-03. Review status: criteria provided, single submitter. Criteria: Ambry Variant Classification Scheme 2023. Collection method: clinical testing. Allele origin: germline.
Comment: The p.M484L variant (also known as c.1450A>C), located in coding exon 10 of the CTNNA1 gene, results from an A to C substitution at nucleotide position 1450. The methionine at codon 484 is replaced by leucine, an amino acid with highly similar properties. This amino acid position is conserved. In addition, the in silico prediction for this alteration is inconclusive. Based on the available evidence, the clinical significance of this variant remains unclear.

NM_001903.5(CTNNA1):c.1450A>C (p.Met484Leu)

Gene: CTNNA1 (catenin alpha 1; plus strand). Cytogenetic location: 5q31.2.
Variant type: single nucleotide variant.
Coding change: c.1450A>C on transcript NM_001903.5 (MANE Select); coding-DNA position 1450, A replaced by C.
Protein change: p.Met484Leu; replaces methionine 484 with leucine.
Molecular consequence: missense variant. On other transcripts: initiator codon variant (5).
Genome position (GRCh38, 1-based): chr5:138,917,802, A>C. VCF-style: chr5-138917802-A-C. GRCh37 (hg19) VCF-style: chr5-138253491-A-C.
Other names: c.340A>C, p.Met114Leu (NM_001323987.1, NM_001323988.1, NM_001323989.1 and 17 more transcripts); c.1450A>C, p.Met484Leu (NM_001290307.3, NM_001323982.2, NM_001323983.1 and 2 more transcripts); c.1141A>C, p.Met381Leu (NM_001290309.3); c.1081A>C, p.Met361Leu (NM_001290310.3); c.1357A>C, p.Met453Leu (NM_001323986.2); c.1A>C, p.Met1Leu (NM_001324006.1, NM_001324007.1, NM_001324008.1 and 2 more transcripts); c.247A>C, p.Met83Leu (NM_001324011.1); c.97A>C, p.Met33Leu (NM_001324012.1, NM_001324013.1); short protein forms M361L, M484L, M114L, M33L, M453L, M1L, M83L, M381L.
Identifiers: ClinVar variation 4825923 (VCV004825923.1).